The following is an entry in ClinVar:

NM_206933.4(USH2A):c.5777-1G>A

Genes: USH2A (usherin; minus strand), USH2A-AS2 (USH2A antisense RNA 2; plus strand). Cytogenetic location: 1q41.
Variant type: single nucleotide variant.
Coding change: c.5777-1G>A on transcript NM_206933.4 (MANE Select); the canonical splice acceptor site of the intron before coding-DNA position 5777, G replaced by A.
Molecular consequence: splice acceptor variant.
Genome position (GRCh38, 1-based): chr1:216,072,970, C>T on the plus strand (G>A on the coding strand, the complement: USH2A is on the minus strand). VCF-style: chr1-216072970-C-T. GRCh37 (hg19) VCF-style: chr1-216246312-C-T.
Identifiers: ClinVar variation 2418859 (VCV002418859.8), dbSNP rs2031609360, ClinGen allele CA344853945.
Genomic context (GRCh38, chr1:216,072,970, plus strand): 5'-GACTCCAATCACTATATACTGAACCTCCTTCATGCGAGGCTATCACTCGATACAGGTATT[C>T]TTAAATGGAAATAAGATGCAGCAAGATTAAAATAATACTCATATAGATTAATGAGGGGCT-3'

ClinVar aggregate classification (germline): Pathogenic. Review status: criteria provided, multiple submitters, no conflicts (2 of 4 stars). 2 submissions from 2 submitters: Pathogenic (2). Last evaluated 2023-06-29.

Conditions:
USH2A-related disorder. Also called: USH2A-related disorders; USH2A-related condition. Identifiers: MedGen CN239332.

Submissions (2):

Labcorp Genetics (formerly Invitae), Labcorp
Classification: Pathogenic. Last evaluated: 2023-06-29. Review status: criteria provided, single submitter. Criteria: Invitae Variant Classification Sherloc (09022015). Collection method: clinical testing. Allele origin: germline.
Comment: For these reasons, this variant has been classified as Pathogenic. Algorithms developed to predict the effect of sequence changes on RNA splicing suggest that this variant may disrupt the consensus splice site. ClinVar contains an entry for this variant (Variation ID: 2418859). Disruption of this splice site has been observed in individual(s) with Usher syndrome (PMID: 31046701). In at least one individual the data is consistent with being in trans (on the opposite chromosome) from a pathogenic variant. It has also been observed to segregate with disease in related individuals. This variant is not present in population databases (gnomAD no frequency). This sequence change affects an acceptor splice site in intron 28 of the USH2A gene. It is expected to disrupt RNA splicing. Variants that disrupt the donor or acceptor splice site typically lead to a loss of protein function (PMID: 16199547), and loss-of-function variants in USH2A are known to be pathogenic (PMID: 10729113, 10909849, 20507924, 25649381).

Blueprint Genetics
Classification: Pathogenic for USH2A-related disorders. Last evaluated: 2020-04-15. Review status: criteria provided, single submitter. Criteria: ACMG Guidelines, 2015. Collection method: clinical testing. Allele origin: germline. Affected: yes. Observed: 3 variant alleles.

Literature cited by the submitters: PubMed 31046701 (cited by Labcorp Genetics (formerly Invitae), Labcorp); PubMed 16199547 (cited by Labcorp Genetics (formerly Invitae), Labcorp); PubMed 10729113 (cited by Labcorp Genetics (formerly Invitae), Labcorp); PubMed 10909849 (cited by Labcorp Genetics (formerly Invitae), Labcorp); PubMed 20507924 (cited by Labcorp Genetics (formerly Invitae), Labcorp); PubMed 25649381 (cited by Labcorp Genetics (formerly Invitae), Labcorp).